The following is an entry in ClinVar:

NM_153490.3(KRT13):c.869G>A (p.Arg290Gln)

Gene: KRT13 (keratin 13; minus strand). Cytogenetic location: 17q21.2.
Variant type: single nucleotide variant.
Coding change: c.869G>A on transcript NM_153490.3 (MANE Select); coding-DNA position 869, G replaced by A.
Protein change: p.Arg290Gln; replaces arginine 290 with glutamine.
Molecular consequence: missense variant.
Genome position (GRCh38, 1-based): chr17:41,502,965, C>T on the plus strand (G>A on the coding strand, the complement: KRT13 is on the minus strand). VCF-style: chr17-41502965-C-T. GRCh37 (hg19) VCF-style: chr17-39659217-C-T.
Other names: c.869G>A, p.Arg290Gln (NM_002274.4); short protein forms R290Q.
Identifiers: ClinVar variation 323085 (VCV000323085.9), dbSNP rs535020030, ClinGen allele CA8560623.
Genomic context (GRCh38, chr17:41,502,965, plus strand): 5'-GATGGGCTATGTGGGGTGGGAGGGCCGGGTACCTTGGTGTGGAACCATTCCTCAGCATCC[C>T]GGCGGTTCCTCTCTGCCATGGCCTCGTACTGCTCCCTCATCTCTGCCAGCACGCGGGTCA-3'
Protein context (NP_705694.3, residues 280-300): QYEAMAERNR[Arg290Gln]DAEEWFHTKS

ClinVar aggregate classification (germline): Benign. Review status: criteria provided, multiple submitters, no conflicts (2 of 4 stars). 3 submissions from 3 submitters: Benign (3). Last evaluated 2018-06-01.

Conditions:
White sponge nevus 2 (WSN2). Identifiers: MedGen C4014321, MONDO:0014346, OMIM 615785.

Allele frequency attached by ClinVar (database versions not stated): TOPMed 0.00020; ExAC 0.00381; gnomAD 0.00004 and 0.00060; gnomAD exomes 0.00315; 1000 Genomes Project 30x 0.00328; 1000 Genomes Project 0.00399.
gnomAD v4.1: 2,273 of 1,614,198 alleles (0.14%); highest among the groups gnomAD compares: South Asian, 2.3%; 49 homozygotes.

Submissions (3):

Labcorp Genetics (formerly Invitae), Labcorp
Classification: Benign. Last evaluated: 2018-06-01. Review status: criteria provided, single submitter. Criteria: Invitae Variant Classification Sherloc (09022015). Collection method: clinical testing. Allele origin: germline.

Illumina Laboratory Services, Illumina
Classification: Benign for White sponge nevus 2. Last evaluated: 2018-01-13. Review status: criteria provided, single submitter. Criteria: ICSL Variant Classification Criteria 13 December 2019. Collection method: clinical testing. Allele origin: germline.
Comment: This variant was observed in the ICSL laboratory as part of a predisposition screen in an ostensibly healthy population. It had not been previously curated by ICSL or reported in the Human Gene Mutation Database (HGMD: prior to June 1st, 2018), and was therefore a candidate for classification through an automated scoring system. Utilizing variant allele frequency, disease prevalence and penetrance estimates, and inheritance mode, an automated score was calculated to assess if this variant is too frequent to cause the disease. Based on the score and internal cut-off values, a variant classified as benign is not then subjected to further curation. The score for this variant resulted in a classification of benign for this disease.

Breakthrough Genomics
Classification: Benign. Review status: criteria provided, single submitter. Criteria: ACMG Guidelines, 2015. Collection method: not provided. Allele origin: germline. Inheritance: Autosomal dominant inheritance. Affected: yes.